The following is an entry in ClinVar:

ClinVar aggregate classification (germline): Likely benign (1 of 4 stars; one submission).

Allele frequency attached by ClinVar (database versions not stated): gnomAD 0.00004.

Submission:

CeGaT Center for Human Genetics Tuebingen
Classification: Likely benign. Last evaluated: 2026-02-01. Review status: criteria provided, single submitter. Criteria: CeGaT Center For Human Genetics Tuebingen Variant Classification Criteria Version 2. Collection method: clinical testing. Allele origin: germline. Affected: yes. Observed: 3 variant alleles.
Comment: FMN2: BP4, BP7

NM_020066.5(FMN2):c.3282G>A (p.Ala1094=)

Gene: FMN2 (formin 2; plus strand). Cytogenetic location: 1q43.
Variant type: single nucleotide variant.
Coding change: c.3282G>A on transcript NM_020066.5 (MANE Select); coding-DNA position 3282, G replaced by A.
Protein change: p.Ala1094=; no amino-acid change (alanine 1094 retained).
Molecular consequence: synonymous variant. On other transcripts: intron variant (1).
Genome position (GRCh38, 1-based): chr1:240,208,094, G>A. VCF-style: chr1-240208094-G-A. GRCh37 (hg19) VCF-style: chr1-240371394-G-A.
Other names: c.3294G>A, p.Ala1098= (NM_001305424.2); c.1986+19832G>A (NM_001348094.2).
Identifiers: ClinVar variation 3025360 (VCV003025360.22), dbSNP rs1182372122, ClinGen allele CA424385616.
Genomic context (GRCh38, chr1:240,208,094, plus strand): 5'-ACCCCCTCCGCCCCCACTTCCCGGAGCGGGCATACCCCCACCTCCCCCTCTACCCGGAGC[G>A]GGCATACCCCCTCCGCCCCCTCTACCCGGAGTGGGCATACCTCCTCCGCCCCCTCTACCC-3'
Protein context (NP_064450.3, residues 1084-1104): GIPPPPPLPG[Ala1094=]GIPPPPPLPG